The following is an entry in ClinVar:

ClinVar aggregate classification (germline): Uncertain significance (1 of 4 stars; one submission).

Allele frequency attached by ClinVar (database versions not stated): TOPMed below 0.00001.

Submission:

Labcorp Genetics (formerly Invitae), Labcorp
Classification: Uncertain significance. Last evaluated: 2022-08-05. Review status: criteria provided, single submitter. Criteria: Invitae Variant Classification Sherloc (09022015). Collection method: clinical testing. Allele origin: germline.
Comment: This sequence change replaces valine, which is neutral and non-polar, with glycine, which is neutral and non-polar, at codon 732 of the LRP2 protein (p.Val732Gly). This variant is not present in population databases (gnomAD no frequency). This variant has not been reported in the literature in individuals affected with LRP2-related conditions. Algorithms developed to predict the effect of missense changes on protein structure and function are either unavailable or do not agree on the potential impact of this missense change (SIFT: "Deleterious"; PolyPhen-2: "Possibly Damaging"; Align-GVGD: "Class C0"). In summary, the available evidence is currently insufficient to determine the role of this variant in disease. Therefore, it has been classified as a Variant of Uncertain Significance.

NM_004525.3(LRP2):c.2195T>G (p.Val732Gly)

Gene: LRP2 (LDL receptor related protein 2; minus strand). Cytogenetic location: 2q31.1.
Variant type: single nucleotide variant.
Coding change: c.2195T>G on transcript NM_004525.3 (MANE Select); coding-DNA position 2195, T replaced by G.
Protein change: p.Val732Gly; replaces valine 732 with glycine.
Molecular consequence: missense variant.
Genome position (GRCh38, 1-based): chr2:169,271,029, A>C on the plus strand (T>G on the coding strand, the complement: LRP2 is on the minus strand). VCF-style: chr2-169271029-A-C. GRCh37 (hg19) VCF-style: chr2-170127539-A-C.
Other names: short protein forms V732G.
Identifiers: ClinVar variation 1715228 (VCV001715228.3), dbSNP rs1666027869, ClinGen allele CA349162460.